The following is an entry in ClinVar:

ClinVar aggregate classification (germline): Likely pathogenic (1 of 4 stars; one submission).

Submission:

GeneDx
Classification: Likely pathogenic. Last evaluated: 2026-03-14. Review status: criteria provided, single submitter. Criteria: GeneDx Variant Classification Process June 2021. Collection method: clinical testing. Allele origin: germline.
Comment: Frameshift variant predicted to result in protein truncation or nonsense mediated decay in a gene for which loss of function is a known mechanism of disease; Not observed at significant frequency in large population cohorts (gnomAD); Has not been previously published as pathogenic or benign to our knowledge

NM_003722.5(TP63):c.480_481del (p.Pro161fs)

Gene: TP63 (tumor protein p63; plus strand). Cytogenetic location: 3q28.
Variant type: Microsatellite.
Coding change: c.480_481del on transcript NM_003722.5 (MANE Select); coding-DNA positions 480 to 481, 2 bases deleted (TC; older notation c.480_481delTC).
Protein change: p.Pro161fs; shifts the reading frame from proline 161.
Molecular consequence: frameshift variant. On other transcripts: intron variant (2).
Genome position (GRCh38, 1-based): chr3:189,808,427-189,808,428, TC deleted; deleting any 2 consecutive bases within chr3:189,808,420-189,808,428 gives the same sequence; the c. name uses the placement nearest the transcript's 3' end. VCF-style (leftmost placement, unchanged base first): chr3-189808419-GCT-G. GRCh37 (hg19) VCF-style: chr3-189526208-GCT-G.
Other names: c.480_481del, p.Pro161fs (NM_001114978.2, NM_001114979.2, NM_001329144.2 and 1 more transcripts); c.198_199del, p.Pro67fs (NM_001114980.2, NM_001114981.2, NM_001114982.2 and 2 more transcripts); c.474_475del, p.Pro159fs (NM_001329964.2); c.42+18578CT[3] (NM_001329146.2, NM_001329150.2); short protein forms P159fs, P161fs, P67fs.
Identifiers: ClinVar variation 5008994 (VCV005008994.1).
Genomic context (GRCh38, chr3:189,808,419, plus strand): 5'-CACGCGCAGAACAGCGTCACGGCGCCCTCGCCCTACGCACAGCCCAGCTCCACCTTCGAT[GCT>G]CTCTCTCCATCACCCGCCATCCCCTCCAACACCGACTACCCAGGCCCGCACAGTTTCGAC-3'